The following is an entry in ClinVar:

NM_024675.4(PALB2):c.109-20G>A

Gene: PALB2 (partner and localizer of BRCA2; minus strand). Cytogenetic location: 16p12.2.
Variant type: single nucleotide variant.
Coding change: c.109-20G>A on transcript NM_024675.4 (MANE Select); 20 bases into the intron before coding-DNA position 109, G replaced by A.
Molecular consequence: intron variant.
Genome position (GRCh38, 1-based): chr16:23,637,972, C>T on the plus strand (G>A on the coding strand, the complement: PALB2 is on the minus strand). VCF-style: chr16-23637972-C-T. GRCh37 (hg19) VCF-style: chr16-23649293-C-T.
Other names: c.-777-20G>A (NM_001407308.1, NM_001407306.1, NM_001407307.1 and 5 more transcripts); c.48+3138G>A (NM_001407314.1); c.-105+3138G>A (NM_001407313.1, NM_001407312.1); c.49-20G>A (NM_001407296.1); c.109-20G>A (NM_001407297.1, NM_001407302.1, NM_001407298.1 and 3 more transcripts).
Identifiers: ClinVar variation 3660810 (VCV003660810.3).

ClinVar aggregate classification (germline): Likely benign. Review status: criteria provided, multiple submitters, no conflicts (2 of 4 stars). 2 submissions from 2 submitters: Likely benign (2). Last evaluated 2025-01-09.

Conditions:
Familial cancer of breast. Also called: Hereditary breast cancer; hereditary breast carcinoma; BREAST CANCER, FAMILIAL. Identifiers: Orphanet 227535, MedGen C0346153, MONDO:0016419, OMIM 114480. Disease mechanism: loss of function.

Submissions (2):

Myriad Genetics, Inc.
Classification: Likely benign for Familial cancer of breast. Last evaluated: 2025-01-09. Review status: criteria provided, single submitter. Criteria: Myriad Autosomal Dominant, Autosomal Recessive and X-Linked Classification Criteria (2023). Collection method: clinical testing. Allele origin: unknown.
Comment: This variant is considered likely benign. This variant is intronic and is not expected to impact mRNA splicing.

Labcorp Genetics (formerly Invitae), Labcorp
Classification: Likely benign for Familial cancer of breast. Last evaluated: 2024-09-04. Review status: criteria provided, single submitter. Criteria: Invitae Variant Classification Sherloc (09022015). Collection method: clinical testing. Allele origin: germline.